The following is an entry in ClinVar:

NM_001375567.1(FOCAD):c.2299C>T (p.Pro767Ser)

Gene: FOCAD (focadhesin; plus strand). Cytogenetic location: 9p21.3.
Variant type: single nucleotide variant.
Coding change: c.2299C>T on transcript NM_001375567.1 (MANE Select); coding-DNA position 2299, C replaced by T.
Protein change: p.Pro767Ser; replaces proline 767 with serine.
Molecular consequence: missense variant.
Genome position (GRCh38, 1-based): chr9:20,874,789, C>T. VCF-style: chr9-20874789-C-T. GRCh37 (hg19) VCF-style: chr9-20874788-C-T.
Other names: c.2194C>T, p.Pro732Ser (NM_001375568.1, NM_001375570.1); c.2299C>T, p.Pro767Ser (NM_017794.5); short protein forms P767S, P732S.
Identifiers: ClinVar variation 3662996 (VCV003662996.2).

ClinVar aggregate classification (germline): Uncertain significance (1 of 4 stars; one submission).

Submission:

Labcorp Genetics (formerly Invitae), Labcorp
Classification: Uncertain significance. Last evaluated: 2024-08-20. Review status: criteria provided, single submitter. Criteria: Invitae Variant Classification Sherloc (09022015). Collection method: clinical testing. Allele origin: germline.
Comment: This sequence change replaces proline, which is neutral and non-polar, with serine, which is neutral and polar, at codon 767 of the FOCAD protein (p.Pro767Ser). This variant is not present in population databases (gnomAD no frequency). This variant has not been reported in the literature in individuals affected with FOCAD-related conditions. An algorithm developed to predict the effect of missense changes on protein structure and function outputs the following: PolyPhen-2: "Not Available". The serine amino acid residue is found in multiple mammalian species, which suggests that this missense change does not adversely affect protein function. In summary, the available evidence is currently insufficient to determine the role of this variant in disease. Therefore, it has been classified as a Variant of Uncertain Significance.